The following is an entry in ClinVar:

ClinVar aggregate classification (germline): Uncertain significance. Review status: criteria provided, multiple submitters, no conflicts (2 of 4 stars). 2 submissions from 2 submitters: Uncertain significance (2). Last evaluated 2025-08-27.

Conditions:
Inborn genetic diseases. Identifiers: MedGen C0950123, MeSH D030342.
Cerebral cavernous malformation 2. Also called: Familial Cerebral Cavernous Malformation 2. Identifiers: Orphanet 221061, MedGen C1864041, MONDO:0011304, OMIM 603284.

gnomAD v4.1: 13 of 1,614,020 alleles (0.00081%); highest among the groups gnomAD compares: Non-Finnish European, 0.0011%; no homozygotes.

Submissions (2):

Ambry Genetics
Classification: Uncertain significance for Inborn genetic diseases. Last evaluated: 2025-08-27. Review status: criteria provided, single submitter. Criteria: Ambry Variant Classification Scheme 2023. Collection method: clinical testing. Allele origin: germline.

Labcorp Genetics (formerly Invitae), Labcorp
Classification: Uncertain significance for Cerebral cavernous malformation 2. Last evaluated: 2024-07-04. Review status: criteria provided, single submitter. Criteria: Invitae Variant Classification Sherloc (09022015). Collection method: clinical testing. Allele origin: germline.
Comment: This sequence change replaces isoleucine, which is neutral and non-polar, with asparagine, which is neutral and polar, at codon 131 of the CCM2 protein (p.Ile131Asn). This variant is present in population databases (rs770711995, gnomAD 0.0009%). This variant has not been reported in the literature in individuals affected with CCM2-related conditions. Advanced modeling of protein sequence and biophysical properties (such as structural, functional, and spatial information, amino acid conservation, physicochemical variation, residue mobility, and thermodynamic stability) performed at Invitae indicates that this missense variant is not expected to disrupt CCM2 protein function with a negative predictive value of 80%. In summary, the available evidence is currently insufficient to determine the role of this variant in disease. Therefore, it has been classified as a Variant of Uncertain Significance.

NM_031443.4(CCM2):c.392T>A (p.Ile131Asn)

Gene: CCM2 (CCM2 scaffold protein; plus strand). Cytogenetic location: 7p13.
Variant type: single nucleotide variant.
Coding change: c.392T>A on transcript NM_031443.4 (MANE Select); coding-DNA position 392, T replaced by A.
Protein change: p.Ile131Asn; replaces isoleucine 131 with asparagine.
Molecular consequence: missense variant. On other transcripts: non-coding transcript variant (1).
Genome position (GRCh38, 1-based): chr7:45,064,566, T>A. VCF-style: chr7-45064566-T-A. GRCh37 (hg19) VCF-style: chr7-45104165-T-A.
Other names: c.455T>A, p.Ile152Asn (NM_001029835.2); c.218T>A, p.Ile73Asn (NM_001167934.2, NM_001363459.2); c.392T>A, p.Ile131Asn (NM_001167935.2, NM_001363458.2); short protein forms I131N, I152N, I73N.
Identifiers: ClinVar variation 3622702 (VCV003622702.3).
Genomic context (GRCh38, chr7:45,064,566, plus strand): 5'-CTGTGCTCAGCCTGTCTGCGTACAACGTCAAGCTGGCCTGGAGGGACGGGGAGGATATCA[T>A]CCTCAGGGTGCCCATCCATGACATCGCCGCCGTCTCCTATGTTCGGGATGACGCTGCACA-3'
Protein context (NP_113631.1, residues 121-141): KLAWRDGEDI[Ile131Asn]LRVPIHDIAA